The following is an entry in ClinVar:

ClinVar aggregate classification (germline): Uncertain significance (1 of 4 stars; one submission).

Submission:

Labcorp Genetics (formerly Invitae), Labcorp
Classification: Uncertain significance. Last evaluated: 2024-06-05. Review status: criteria provided, single submitter. Criteria: Invitae Variant Classification Sherloc (09022015). Collection method: clinical testing. Allele origin: germline.
Comment: This sequence change replaces aspartic acid, which is acidic and polar, with alanine, which is neutral and non-polar, at codon 1097 of the CDH23 protein (p.Asp1097Ala). This variant is not present in population databases (gnomAD no frequency). This variant has not been reported in the literature in individuals affected with CDH23-related conditions. Advanced modeling of protein sequence and biophysical properties (such as structural, functional, and spatial information, amino acid conservation, physicochemical variation, residue mobility, and thermodynamic stability) performed at Invitae indicates that this missense variant is expected to disrupt CDH23 protein function with a positive predictive value of 95%. In summary, the available evidence is currently insufficient to determine the role of this variant in disease. Therefore, it has been classified as a Variant of Uncertain Significance.

NM_022124.6(CDH23):c.3290A>C (p.Asp1097Ala)

Genes: C10orf105 (chromosome 10 open reading frame 105; minus strand), CDH23 (cadherin related 23; plus strand). Cytogenetic location: 10q22.1.
Variant type: single nucleotide variant.
Coding change: c.3290A>C on transcript NM_022124.6 (MANE Select); coding-DNA position 3290, A replaced by C.
Protein change: p.Asp1097Ala; replaces aspartic acid 1097 with alanine.
Molecular consequence: missense variant. On other transcripts: 3 prime UTR variant (2).
Genome position (GRCh38, 1-based): chr10:71,712,734, A>C. VCF-style: chr10-71712734-A-C. GRCh37 (hg19) VCF-style: chr10-73472491-A-C.
Other names: c.*3202T>G (NM_001164375.3, NM_001168390.2); c.3290A>C, p.Asp1097Ala (NM_001171930.2); short protein forms D1097A.
Identifiers: ClinVar variation 3636946 (VCV003636946.2).